The following is an entry in ClinVar:

NM_001855.5(COL15A1):c.1511G>T (p.Gly504Val)

Gene: COL15A1 (collagen type XV alpha 1 chain; plus strand). Cytogenetic location: 9q22.33.
Variant type: single nucleotide variant.
Coding change: c.1511G>T on transcript NM_001855.5 (MANE Select); coding-DNA position 1511, G replaced by T.
Protein change: p.Gly504Val; replaces glycine 504 with valine.
Molecular consequence: missense variant.
Genome position (GRCh38, 1-based): chr9:99,015,983, G>T. VCF-style: chr9-99015983-G-T. GRCh37 (hg19) VCF-style: chr9-101778265-G-T.
Other names: short protein forms G504V.
Identifiers: ClinVar variation 3059549 (VCV003059549.2), dbSNP rs2297603, ClinGen allele CA5154938.

ClinVar aggregate classification (germline): Benign (0 of 4 stars; one submission).

Conditions:
COL15A1-related disorder. Also called: COL15A1-related condition.

Allele frequency attached by ClinVar (database versions not stated): ESP Exome Variant Server 0.07858; 1000 Genomes Project 30x 0.08448; 1000 Genomes Project 0.08526; gnomAD 0.08950; ExAC 0.11251.
gnomAD v4.1: 164,929 of 1,613,142 alleles (10%); highest among the groups gnomAD compares: East Asian, 19%; 9,533 homozygotes.

Submission:

PreventionGenetics, part of Exact Sciences
Classification: Benign for COL15A1-related condition. Last evaluated: 2019-11-11. Review status: no assertion criteria provided. Collection method: clinical testing. Allele origin: germline.
Comment: This variant is classified as benign based on ACMG/AMP sequence variant interpretation guidelines (Richards et al. 2015 PMID: 25741868, with internal and published modifications).